The following is an entry in ClinVar:

NM_000059.4(BRCA2):c.6824_6827dup (p.Leu2277fs)

Gene: BRCA2 (BRCA2 DNA repair associated; plus strand). Cytogenetic location: 13q13.1.
Variant type: Duplication.
Coding change: c.6824_6827dup on transcript NM_000059.4 (MANE Select); coding-DNA positions 6824 to 6827, 4 bases duplicated (AGCC; older notation c.6824_6827dupAGCC).
Protein change: p.Leu2277fs; shifts the reading frame from leucine 2277.
Molecular consequence: frameshift variant.
Genome position (GRCh38, 1-based): chr13:32,341,179-32,341,182, AGCC duplicated. VCF-style (leftmost placement, unchanged base first): chr13-32341178-G-GAGCC. GRCh37 (hg19) VCF-style: chr13-32915315-G-GAGCC.
Other names: c.6824_6827dupAGCC (NM_000059.3); short protein forms L2277fs.
Identifiers: ClinVar variation 531402 (VCV000531402.9), dbSNP rs1555284862, ClinGen allele CA658798090.

ClinVar aggregate classification (germline): Pathogenic/Likely pathogenic. Review status: criteria provided, multiple submitters, no conflicts (2 of 4 stars). 2 submissions from 2 submitters: Pathogenic (1); Likely pathogenic (1). Last evaluated 2025-12-17.

Conditions:
Hereditary breast ovarian cancer syndrome. Also called: Hereditary breast and ovarian cancer syndrome (HBOC); BRCA1- and BRCA2-Associated Hereditary Breast and Ovarian Cancer; Hereditary breast and ovarian cancer syndrome; Breast and ovarian cancer; Hereditary breast and ovarian cancer; Hereditary breast and/or ovarian cancer syndrome. Identifiers: Orphanet 145, MedGen C0677776, MeSH D061325, MONDO:0003582. Disease mechanism: loss of function.

Submissions (2):

Labcorp Genetics (formerly Invitae), Labcorp
Classification: Pathogenic for Hereditary breast ovarian cancer syndrome. Last evaluated: 2025-12-17. Review status: criteria provided, single submitter. Criteria: Invitae Variant Classification Sherloc (09022015). Collection method: clinical testing. Allele origin: germline.
Comment: This sequence change creates a premature translational stop signal (p.Leu2277Alafs*17) in the BRCA2 gene. It is expected to result in an absent or disrupted protein product. Loss-of-function variants in BRCA2 are known to be pathogenic (PMID: 20104584). This variant is not present in population databases (gnomAD no frequency). This variant has not been reported in the literature in individuals affected with BRCA2-related conditions. ClinVar contains an entry for this variant (Variation ID: 531402). For these reasons, this variant has been classified as Pathogenic.

Quest Diagnostics Nichols Institute San Juan Capistrano
Classification: Likely pathogenic. Last evaluated: 2018-12-27. Review status: criteria provided, single submitter. Criteria: Quest Diagnostics criteria. Collection method: clinical testing. Allele origin: germline.
Comment: The variant results in a shift of the reading frame, and is therefore predicted to result in the loss of a functional protein. Not found in the total gnomAD dataset, and the data are high quality.

Literature cited by the submitters: PubMed 20104584 (cited by Labcorp Genetics (formerly Invitae), Labcorp).